The following is an entry in ClinVar:

ClinVar aggregate classification (germline): Uncertain significance. Review status: criteria provided, multiple submitters, no conflicts (2 of 4 stars). 3 submissions from 3 submitters: Uncertain significance (3). Last evaluated 2025-12-19.

Conditions:
Cardiovascular phenotype. Identifiers: MedGen CN230736.

Allele frequency attached by ClinVar (database versions not stated): gnomAD exomes below 0.00001; ExAC 0.00001; gnomAD 0.00001; TOPMed 0.00002; ESP Exome Variant Server 0.00009.

Submissions (3):

Labcorp Genetics (formerly Invitae), Labcorp
Classification: Uncertain significance. Last evaluated: 2025-12-19. Review status: criteria provided, single submitter. Criteria: Invitae Variant Classification Sherloc (09022015). Collection method: clinical testing. Allele origin: germline.
Comment: This sequence change replaces histidine, which is basic and polar, with aspartic acid, which is acidic and polar, at codon 308 of the BGN protein (p.His308Asp). This variant is present in population databases (rs147562484, gnomAD 0.004%). This variant has not been reported in the literature in individuals affected with BGN-related conditions. ClinVar contains an entry for this variant (Variation ID: 1908708). Invitae Evidence Modeling of protein sequence and biophysical properties (such as structural, functional, and spatial information, amino acid conservation, physicochemical variation, residue mobility, and thermodynamic stability) indicates that this missense variant is not expected to disrupt BGN protein function with a negative predictive value of 80%. In summary, the available evidence is currently insufficient to determine the role of this variant in disease. Therefore, it has been classified as a Variant of Uncertain Significance.

Ambry Genetics
Classification: Uncertain significance for Cardiovascular phenotype. Last evaluated: 2024-12-17. Review status: criteria provided, single submitter. Criteria: Ambry Variant Classification Scheme 2023. Collection method: clinical testing. Allele origin: germline.
Comment: The p.H308D variant (also known as c.922C>G), located in coding exon 7 of the BGN gene, results from a C to G substitution at nucleotide position 922. The histidine at codon 308 is replaced by aspartic acid, an amino acid with similar properties. Based on data from gnomAD, the G allele has an overall frequency of 0.0022% (4/182339) total alleles studied, with 0 hemizygote(s) observed. The highest observed frequency was 0.0049% (4/80918) of European (non-Finnish) alleles. This amino acid position is highly conserved in available vertebrate species. In addition, the in silico prediction for this alteration is inconclusive. Based on the available evidence, the clinical significance of this variant remains unclear.

GeneDx
Classification: Uncertain significance. Last evaluated: 2023-12-01. Review status: criteria provided, single submitter. Criteria: GeneDx Variant Classification Process June 2021. Collection method: clinical testing. Allele origin: germline. Affected: yes.
Comment: In silico analysis supports that this missense variant has a deleterious effect on protein structure/function; Has not been previously published as pathogenic or benign to our knowledge; Variants in candidate genes are classified as variants of uncertain significance in accordance with ACMG guidelines (Richards et al., 2015)

NM_001711.6(BGN):c.922C>G (p.His308Asp)

Gene: BGN (biglycan; plus strand). Cytogenetic location: Xq28.
Variant type: single nucleotide variant.
Coding change: c.922C>G on transcript NM_001711.6 (MANE Select); coding-DNA position 922, C replaced by G.
Protein change: p.His308Asp; replaces histidine 308 with aspartic acid.
Molecular consequence: missense variant.
Genome position (GRCh38, 1-based): chrX:153,508,260, C>G. VCF-style: chrX-153508260-C-G. GRCh37 (hg19) VCF-style: chrX-152773718-C-G.
Other names: c.922C>G (NM_001711.4, NM_001711.5); short protein forms H308D.
Identifiers: ClinVar variation 1908708 (VCV001908708.7), dbSNP rs147562484, ClinGen allele CA10547368.